The following is an entry in ClinVar:

ClinVar aggregate classification (germline): Uncertain significance. Review status: criteria provided, multiple submitters, no conflicts (2 of 4 stars). 5 submissions from 5 submitters: Uncertain significance (5). Last evaluated 2026-01-19.

Conditions:
Cardiovascular phenotype. Identifiers: MedGen CN230736.
Catecholaminergic polymorphic ventricular tachycardia (CVPT). Also called: Catecholamine-induced polymorphic ventricular tachycardia. Identifiers: Orphanet 3286, MedGen C5574922, MONDO:0017990.
Cardiomyopathy (CMYO). Also called: Cardiomyopathies. Identifiers: Orphanet 167848, MedGen C0878544, MONDO:0004994, HP:0001638. Inheritance: Various modes of inheritance.
Catecholaminergic polymorphic ventricular tachycardia 1. Also called: RYR2-Related Catecholaminergic Polymorphic Ventricular Tachycardia; VENTRICULAR TACHYCARDIA, CATECHOLAMINERGIC POLYMORPHIC, 1, WITH OR WITHOUT ATRIAL DYSFUNCTION AND/OR DILATED CARDIOMYOPATHY; VENTRICULAR TACHYCARDIA, STRESS-INDUCED POLYMORPHIC 1. Identifiers: Orphanet 3286, MedGen C1631597, MONDO:0011484, OMIM 604772.

Allele frequency attached by ClinVar (database versions not stated): gnomAD exomes below 0.00001 and 0.00001; gnomAD 0.00001.
gnomAD v4.1: 9 of 1,612,012 alleles (0.00056%); highest among the groups gnomAD compares: African/African-American, 0.0013%; no homozygotes.

Submissions (5):

Labcorp Genetics (formerly Invitae), Labcorp
Classification: Uncertain significance for Catecholaminergic polymorphic ventricular tachycardia 1. Last evaluated: 2026-01-19. Review status: criteria provided, single submitter. Criteria: Invitae Variant Classification Sherloc (09022015). Collection method: clinical testing. Allele origin: germline.
Comment: This sequence change replaces aspartic acid, which is acidic and polar, with glutamic acid, which is acidic and polar, at codon 1298 of the RYR2 protein (p.Asp1298Glu). This variant is present in population databases (no rsID available, gnomAD 0.0009%). This variant has not been reported in the literature in individuals affected with RYR2-related conditions. ClinVar contains an entry for this variant (Variation ID: 518998). Invitae Evidence Modeling of protein sequence and biophysical properties (such as structural, functional, and spatial information, amino acid conservation, physicochemical variation, residue mobility, and thermodynamic stability) indicates that this missense variant is not expected to disrupt RYR2 protein function with a negative predictive value of 95%. In summary, the available evidence is currently insufficient to determine the role of this variant in disease. Therefore, it has been classified as a Variant of Uncertain Significance.

Women's Health and Genetics/Laboratory Corporation of America, LabCorp
Classification: Uncertain significance. Last evaluated: 2025-12-05. Review status: criteria provided, single submitter. Criteria: LabCorp Variant Classification Summary - May 2015. Collection method: clinical testing. Allele origin: germline.

All of Us Research Program, National Institutes of Health
Classification: Uncertain significance for Catecholaminergic polymorphic ventricular tachycardia. Last evaluated: 2023-10-02. Review status: criteria provided, single submitter. Criteria: ACMG Guidelines, 2015. Collection method: clinical testing. Allele origin: germline. Inheritance: Autosomal dominant inheritance. Observed: 2 variant alleles, 2 heterozygotes.
Comment: This missense variant replaces aspartic acid with glutamic acid at codon 1298 of the RYR2 protein. Computational prediction suggests that this variant may not impact protein structure and function (internally defined REVEL score threshold <= 0.5, PMID: 27666373). To our knowledge, functional studies have not been reported for this variant. This variant has not been reported in individuals affected with RYR2-related disorders in the literature. This variant has been identified in 1/247666 chromosomes in the general population by the Genome Aggregation Database (gnomAD). The available evidence is insufficient to determine the role of this variant in disease conclusively. Therefore, this variant is classified as a Variant of Uncertain Significance.

This study involves interpretation of variants in research participants for the purpose of population health screening. Participant phenotype was not available at the time of variant classification. Additional details can be found in publication PMID: 35346344, PMCID: PMC8962531

Color Diagnostics, LLC DBA Color Health
Classification: Uncertain significance for Cardiomyopathy. Last evaluated: 2023-09-08. Review status: criteria provided, single submitter. Criteria: ACMG Guidelines, 2015. Collection method: clinical testing. Allele origin: germline.
Comment: This missense variant replaces aspartic acid with glutamic acid at codon 1298 of the RYR2 protein. Computational prediction suggests that this variant may not impact protein structure and function (internally defined REVEL score threshold <= 0.5, PMID: 27666373). To our knowledge, functional studies have not been reported for this variant. This variant has not been reported in individuals affected with RYR2-related disorders in the literature. This variant has been identified in 1/247666 chromosomes in the general population by the Genome Aggregation Database (gnomAD). The available evidence is insufficient to determine the role of this variant in disease conclusively. Therefore, this variant is classified as a Variant of Uncertain Significance.

Ambry Genetics
Classification: Uncertain significance for Cardiovascular phenotype. Last evaluated: 2022-02-14. Review status: criteria provided, single submitter. Criteria: Ambry Variant Classification Scheme 2023. Collection method: clinical testing. Allele origin: germline.
Comment: The p.D1298E variant (also known as c.3894T>G), located in coding exon 31 of the RYR2 gene, results from a T to G substitution at nucleotide position 3894. The aspartic acid at codon 1298 is replaced by glutamic acid, an amino acid with highly similar properties. This amino acid position is highly conserved in available vertebrate species. In addition, the in silico prediction for this alteration is inconclusive. Since supporting evidence is limited at this time, the clinical significance of this alteration remains unclear.

NM_001035.3(RYR2):c.3894T>G (p.Asp1298Glu)

Genes: RYR2 (ryanodine receptor 2; plus strand), LOC126806067 (BRD4-independent group 4 enhancer GRCh37_chr1:237753258-237754457; plus strand). Cytogenetic location: 1q43.
Variant type: single nucleotide variant.
Coding change: c.3894T>G on transcript NM_001035.3 (MANE Select); coding-DNA position 3894, T replaced by G.
Protein change: p.Asp1298Glu; replaces aspartic acid 1298 with glutamic acid.
Molecular consequence: missense variant.
Genome position (GRCh38, 1-based): chr1:237,590,726, T>G. VCF-style: chr1-237590726-T-G. GRCh37 (hg19) VCF-style: chr1-237754026-T-G.
Other names: c.3894T>G, p.Asp1298Glu (LRG_402t1); short protein forms D1298E.
Identifiers: ClinVar variation 518998 (VCV000518998.19), dbSNP rs1383564773, ClinGen allele CA345397309.